The following continues an entry in ClinVar:

NM_002834.5(PTPN11):c.1507G>C (p.Gly503Arg)

Gene: PTPN11. ClinVar aggregate classification (germline): Pathogenic. Pathogenic (23).

Submissions 11 to 24 of 24:

ARUP Laboratories, Molecular Genetics and Genomics, ARUP Laboratories
Classification: Pathogenic. Last evaluated: 2023-09-22. Review status: criteria provided, single submitter. Criteria: ARUP Molecular Germline Variant Investigation Process 2024. Collection method: clinical testing. Allele origin: germline.
Comment: The PTPN11 c.1507G>C; p.Gly503Arg variant (rs397507545) is reported in the literature in multiple individuals affected with Noonan syndrome and has been reported de novo in several (Chaves Rabelo 2022, Chinton 2019, Faggetter 2023, Hakami 2016, Matalon 2021, Mathus 2014, Sarkozy 2003). This variant is only observed on one allele in the Genome Aggregation Database, indicating it is not a common polymorphism. Computational analyses predict that this variant is deleterious (REVEL: 0.992). Based on available information, this variant is considered to be pathogenic. References: Chaves Rabelo N et al. RASopathy Cohort of Patients Enrolled in a Brazilian Reference Center for Rare Diseases: A Novel Familial LZTR1 Variant and Recurrent Mutations. Appl Clin Genet. 2022 Oct 21;15:153-170. PMID: 36304179. Chinton J et al. Clinical and molecular characterization of children with Noonan syndrome and other RASopathies in Argentina. Arch Argent Pediatr. 2019 Oct 1;117(5):330-337. PMID: 31560489. Faggetter S et al. Hereditary spherocytosis associated with Noonan syndrome mimicking a dyserythropoietic anaemia. Pediatr Blood Cancer. 2023 Apr;70(4):e30121. PMID: 36579772. Hakami F et al. Retrospective study of prenatal ultrasound findings in newborns with a Noonan spectrum disorder. Prenat Diagn. 2016 May;36(5):418-23. PMID: 26918529. Matalon DR et al. Congenital polyvalvular disease expands the cardiac phenotype of the RASopathies. Am J Med Genet A. 2021 May;185(5):1486-1493. PMID: 33683002. Mathur D et al. Twin infant with lymphatic dysplasia diagnosed with Noonan syndrome by molecular genetic testing. Fetal Pediatr Pathol. 2014 Aug;33(4):253-7. PMID: 24754368. Sarkozy A et al. Correlation between PTPN11 gene mutations and congenital heart defects in Noonan and LEOPARD syndromes. J Med Genet. 2003 Sep;40(9):704-8. PMID: 12960218.

GeneDx
Classification: Pathogenic. Last evaluated: 2022-05-05. Review status: criteria provided, single submitter. Criteria: GeneDx Variant Classification Process June 2021. Collection method: clinical testing. Allele origin: germline. Affected: yes.
Comment: Reported as a germline variant in patients with features of a Noonan spectrum disorder and myeloproliferative disease or leukemia (including JMML and AML), and in one patient with features of a Noonan spectrum disorder and Hodgkin's lymphoma (Tartgalia et al., 2003; Lo et al., 2008; Bluteau et al., 2018); Missense variants in this gene are often considered pathogenic (HGMD); In silico analysis supports that this missense variant has a deleterious effect on protein structure/function; This variant is associated with the following publications: (PMID: 19737548, 23334668, 16358218, 24754368, 29703613, 30355677, 30670449, 29037749, 26918529, 18758896, 30417923, 15001945, 22681964, 19077116, 27592337, 15928039, 29146883, 30050098, 29907801, 31560489, 33144682, 29493581, 33683002, 33318624, 34008892, 12960218, 12717436)

Centre of Medical Genetics, University Hospital Muenster
Classification: Pathogenic for Noonan syndrome 1. Last evaluated: 2022-04-26. Review status: criteria provided, single submitter. Criteria: ACMG Guidelines, 2015. Collection method: clinical testing. Allele origin: unknown. Affected: yes. Observed: 1 variant allele, 1 heterozygote.
Comment: ACMG categories: PS1,PS4,PM6,PP3,PP4,PP5

Laboratory of Medical Genetics, National & Kapodistrian University of Athens
Classification: Pathogenic for Noonan syndrome 1. Last evaluated: 2021-10-01. Review status: criteria provided, single submitter. Criteria: ACMG Guidelines, 2015. Collection method: clinical testing. Allele origin: unknown. Affected: yes.
Comment: PS1, PM1, PM2, PM5, PP2, PP3, PP5

Laboratory of Molecular Genetics (Pr. Bezieau's lab), CHU de Nantes
Classification: Pathogenic for Neurodevelopmental disorder. Last evaluated: 2021-02-24. Review status: criteria provided, single submitter. Criteria: ACMG Guidelines, 2015. Collection method: clinical testing. Allele origin: germline. Affected: yes.

Women's Health and Genetics/Laboratory Corporation of America, LabCorp
Classification: Pathogenic for RASopathy. Last evaluated: 2021-02-01. Review status: criteria provided, single submitter. Criteria: LabCorp Variant Classification Summary - May 2015. Collection method: clinical testing. Allele origin: germline.
Comment: Variant summary: PTPN11 c.1507G>C (p.Gly503Arg) results in a non-conservative amino acid change located in the PTP type protein phosphatase domain (IPR000242) of the encoded protein sequence. Five of five in-silico tools predict a damaging effect of the variant on protein function. The variant allele was found at a frequency of 4e-06 in 252092 control chromosomes. c.1507G>C has been reported in the literature in multiple individuals affected with Noonan Syndrome And Related Conditions, including a father and daughter showing co-segregation with disease (e.g. Zenker_2004, Tartaglia_2006, Lo_2008, Pierpont_2009, Mathur_2014, Bessis_2019, Chinton_2019). These data indicate that the variant is very likely to be associated with disease. Eight ClinVar submitters (evaluation after 2014) cite the variant as pathogenic. Based on the evidence outlined above, the variant was classified as pathogenic.

Mayo Clinic Laboratories, Mayo Clinic
Classification: Pathogenic. Last evaluated: 2020-02-25. Review status: criteria provided, single submitter. Criteria: ACMG Guidelines, 2015. Collection method: clinical testing. Allele origin: germline. Observed: 4 variant alleles.
Comment: PS1, PS4, PM5, PM6, PP2, PP3

HudsonAlpha Institute for Biotechnology
Classification: Pathogenic for Noonan syndrome 1. Last evaluated: 2019-07-09. Review status: criteria provided, single submitter. Criteria: ACMG Guidelines, 2015. Collection method: research. Allele origin: maternal. Affected: yes. Observed: 1 variant allele. Study: HudsonAlpha-AGHI-WGS.

Laboratory for Molecular Medicine, Mass General Brigham Personalized Medicine
Classification: Pathogenic for Noonan syndrome; Juvenile myelomonocytic leukemia. Last evaluated: 2018-03-23. Review status: criteria provided, single submitter. Criteria: LMM Criteria. Collection method: clinical testing. Allele origin: germline. Inheritance: Autosomal dominant inheritance. Observed: 8 variant alleles.
Comment: The p.Gly503Arg (due to c.1507G>C or c.1507G>A) variant has previously been repo rted >10 individuals with the clinical features of Noonan syndrome, including at least 2 de novo occurrences (Tartaglia 2003, Sarkozy 2003, Zenker 2004, Kratz 2 005, Lo 2008, Ezquieta 2012, LMM data). This variant has also been reported in i ndividuals with Noonan syndrome and juvenile myelomonocytic leukemia (JMML), JMM L, and Noonan syndrome with Hodgkin?s lymphoma (Tartaglia 2003, Lo 2008). It ha s not been identified in large population studies. Three other variants involvin g this codon (p.Gly503Glu, p.Gly503Ala, p.Gly503Val) have been reported as patho genic. Computational prediction tools and conservation analysis suggest that the p.Gly503Arg variant may impact the protein. In summary, this variant meets crit eria to be classified as pathogenic for Noonan syndrome in an autosomal dominant manner. ACMG/AMP Criteria applied: PS4; PM1; PM2; PM6; PP3.

Institute of Human Genetics, University of Leipzig Medical Center
Classification: Pathogenic for Noonan syndrome 1. Last evaluated: 2018-02-26. Review status: criteria provided, single submitter. Criteria: ACMG Guidelines, 2015. Collection method: clinical testing. Allele origin: germline. Affected: yes. Observed: 1 variant allele.

Fulgent Genetics
Classification: Pathogenic for LEOPARD syndrome 1; Metachondromatosis; Noonan syndrome 1; Juvenile myelomonocytic leukemia. Last evaluated: 2017-05-18. Review status: criteria provided, single submitter. Criteria: ACMG Guidelines, 2015. Collection method: clinical testing. Allele origin: unknown.

Molecular Diagnostics Lab, Nemours Children's Health, Delaware
Classification: Pathogenic. Last evaluated: 2015-10-05. Review status: criteria provided, single submitter. Criteria: ACMG Guidelines, 2015. Collection method: clinical testing. Allele origin: unknown. Affected: yes. Observed: 1 variant allele.

Clinical Genetics Service, Universitary Hospital 12 de Octubre
Classification: Pathogenic for Noonan syndrome 1. Review status: criteria provided, single submitter. Criteria: ACMG Guidelines, 2015. Collection method: clinical testing. Allele origin: germline. Affected: yes.

PreventionGenetics, part of Exact Sciences
Classification: Pathogenic for PTPN11-related condition. Last evaluated: 2024-04-30. Review status: no assertion criteria provided. Collection method: clinical testing. Allele origin: germline. Not counted in ClinVar's aggregate classification.
Comment: The PTPN11 c.1507G>C variant is predicted to result in the amino acid substitution p.Gly503Arg. This variant is located in a mutational hotspot region of the PTPN11 gene. It has been repeatedly reported to be causative for Noonan syndrome (Sarkozy et al. 2003. PubMed ID: 12960218; Holmfeldt et al. 2013. PubMed ID: 23334668; Chinton et al. 2019. PubMed ID: 31560489). Additionally, a different variant, 1507G>A, that results in the same amino acid change has been reported as causative for Noonan syndrome (Tartaglia et al. 2006. PubMed ID: 16358218). At PreventionGenetics, we previously detected the variant c.1507G>C in other affected patients. This variant is reported in 0.0046% of alleles in individuals of European (Finnish) descent in gnomAD. This variant is interpreted as pathogenic.

Literature cited by the submitters: PubMed 11992261 (cited by Victorian Clinical Genetics Services, Murdoch Childrens Research Institute); PubMed 24935154 (cited by Victorian Clinical Genetics Services, Murdoch Childrens Research Institute); PubMed 21533187 (cited by Victorian Clinical Genetics Services, Murdoch Childrens Research Institute); PubMed 12960218 (cited by 5 submitters); PubMed 18678287 (cited by 3billion); PubMed 12717436 (cited by 6 submitters); PubMed 16358218 (cited by 7 submitters); PubMed 18758896 (cited by 6 submitters); PubMed 19077116 (cited by 5 submitters); PubMed 19737548 (cited by 3 submitters); PubMed 25097206 (cited by 3 submitters); PubMed 26918529 (cited by 3 submitters); PubMed 29907801 (cited by Institute for Genomic Medicine (IGM) Clinical Laboratory, Nationwide Children's Hospital and Mayo Clinic Laboratories, Mayo Clinic); PubMed 31560489 (cited by Institute for Genomic Medicine (IGM) Clinical Laboratory, Nationwide Children's Hospital and Women's Health and Genetics/Laboratory Corporation of America, LabCorp); PubMed 34008892 (cited by Institute for Genomic Medicine (IGM) Clinical Laboratory, Nationwide Children's Hospital and Laboratory of Medical Genetics, National & Kapodistrian University of Athens); PubMed 25742478 (cited by Center for Genomic Medicine, Rigshospitalet, Copenhagen University Hospital and Ambry Genetics); PubMed 20186801 (cited by Ambry Genetics); PubMed 29146883 (cited by Ambry Genetics and Mayo Clinic Laboratories, Mayo Clinic); PubMed 30417923 (cited by 3 submitters); PubMed 9491886 (cited by Ambry Genetics); PubMed 24754368 (cited by 3 submitters); PubMed 16377799 (cited by Women's Health and Genetics/Laboratory Corporation of America, LabCorp); PubMed 19568997 (cited by Women's Health and Genetics/Laboratory Corporation of America, LabCorp); PubMed 18470943 (cited by Women's Health and Genetics/Laboratory Corporation of America, LabCorp); PubMed 23334668 (cited by Women's Health and Genetics/Laboratory Corporation of America, LabCorp and Mayo Clinic Laboratories, Mayo Clinic); PubMed 15001945 (cited by 3 submitters); PubMed 22681964 (cited by Mayo Clinic Laboratories, Mayo Clinic); PubMed 15928039 (cited by Laboratory for Molecular Medicine, Mass General Brigham Personalized Medicine and Molecular Diagnostics Lab, Nemours Children's Health, Delaware); PubMed 22465605 (cited by Laboratory for Molecular Medicine, Mass General Brigham Personalized Medicine).